The following is an entry in ClinVar:

NM_052844.4(DYNC2I2):c.791C>T (p.Thr264Ile)

Genes: DYNC2I2 (dynein 2 intermediate chain 2; minus strand), LOC126860772 (CDK7 strongly-dependent group 2 enhancer GRCh37_chr9:131396972-131398171; plus strand). Cytogenetic location: 9q34.11.
Variant type: single nucleotide variant.
Coding change: c.791C>T on transcript NM_052844.4 (MANE Select); coding-DNA position 791, C replaced by T.
Protein change: p.Thr264Ile; replaces threonine 264 with isoleucine.
Molecular consequence: missense variant.
Genome position (GRCh38, 1-based): chr9:128,635,680, G>A on the plus strand (C>T on the coding strand, the complement: DYNC2I2 is on the minus strand). VCF-style: chr9-128635680-G-A. GRCh37 (hg19) VCF-style: chr9-131397959-G-A.
Other names: short protein forms T264I.
Identifiers: ClinVar variation 1964952 (VCV001964952.4), dbSNP rs1272307443, ClinGen allele CA375118185.
Genomic context (GRCh38, chr9:128,635,680, plus strand): 5'-CCTCAGGGCCCACCCCGCCCGGCAGCCCCTGCCCTGACCTGGGACACAGGGTCTGTGTGG[G>A]TGTCATCCGTCAGGCCTGTGCGCCACAGCAGCGGGTCCTCAAGACGGCTCAGGTCCCACA-3'
Protein context (NP_443076.2, residues 254-274): LLWRTGLTDD[Thr264Ile]HTDPVSQVVW

ClinVar aggregate classification (germline): Uncertain significance (1 of 4 stars; one submission).

Conditions:
Short-rib thoracic dysplasia 11 with or without polydactyly (SRTD11). Also called: SHORT-RIB THORACIC DYSPLASIA 11 WITHOUT POLYDACTYLY. Identifiers: Orphanet 474, Orphanet 93271, MedGen C3810200, MONDO:0014287, OMIM 615633.

Allele frequency attached by ClinVar (database versions not stated): gnomAD 0.00001; TOPMed 0.00001.
gnomAD v4.1: 4 of 1,609,980 alleles (0.00025%); highest among the groups gnomAD compares: African/African-American, 0.0027%; no homozygotes.

Submission:

Labcorp Genetics (formerly Invitae), Labcorp
Classification: Uncertain significance for Short-rib thoracic dysplasia 11 with or without polydactyly. Last evaluated: 2022-05-03. Review status: criteria provided, single submitter. Criteria: Invitae Variant Classification Sherloc (09022015). Collection method: clinical testing. Allele origin: germline.
Comment: This sequence change replaces threonine, which is neutral and polar, with isoleucine, which is neutral and non-polar, at codon 264 of the WDR34 protein (p.Thr264Ile). The frequency data for this variant in the population databases is considered unreliable, as metrics indicate poor data quality at this position in the gnomAD database. In summary, the available evidence is currently insufficient to determine the role of this variant in disease. Therefore, it has been classified as a Variant of Uncertain Significance. Algorithms developed to predict the effect of missense changes on protein structure and function are either unavailable or do not agree on the potential impact of this missense change (SIFT: "Deleterious"; PolyPhen-2: "Possibly Damaging"; Align-GVGD: "Class C15"). This variant has not been reported in the literature in individuals affected with WDR34-related conditions.